The following is an entry in ClinVar:

ClinVar aggregate classification (germline): Uncertain significance (1 of 4 stars; one submission).

Conditions:
Multiple endocrine neoplasia, type 2 (MEN2). Identifiers: Orphanet 653, MedGen C4048306, MONDO:0019003. Disease mechanism: gain of function.

Submission:

Labcorp Genetics (formerly Invitae), Labcorp
Classification: Uncertain significance for Multiple endocrine neoplasia, type 2. Last evaluated: 2024-02-19. Review status: criteria provided, single submitter. Criteria: Invitae Variant Classification Sherloc (09022015). Collection method: clinical testing. Allele origin: germline.
Comment: This sequence change falls in intron 7 of the RET gene. It does not directly change the encoded amino acid sequence of the RET protein. It affects a nucleotide within the consensus splice site. This variant is not present in population databases (gnomAD no frequency). This variant has not been reported in the literature in individuals affected with RET-related conditions. Variants that disrupt the consensus splice site are a relatively common cause of aberrant splicing (PMID: 17576681, 9536098). Algorithms developed to predict the effect of sequence changes on RNA splicing suggest that this variant may disrupt the consensus splice site. In summary, the available evidence is currently insufficient to determine the role of this variant in disease. Therefore, it has been classified as a Variant of Uncertain Significance.

Literature cited by the submitters: PubMed 17576681; PubMed 9536098.

NM_020975.6(RET):c.1522+5G>A

Gene: RET (ret proto-oncogene; plus strand). Cytogenetic location: 10q11.21.
Variant type: single nucleotide variant.
Coding change: c.1522+5G>A on transcript NM_020975.6 (MANE Select); 5 bases into the intron after coding-DNA position 1522, G replaced by A.
Molecular consequence: intron variant.
Genome position (GRCh38, 1-based): chr10:43,111,470, G>A. VCF-style: chr10-43111470-G-A. GRCh37 (hg19) VCF-style: chr10-43606918-G-A.
Other names: c.626-629G>A (NM_001406785.1, NM_001406782.1, NM_001406780.1 and 3 more transcripts); c.1393+5G>A (NM_001406764.1, NM_001406762.1, NM_001406761.1 and 1 more transcripts); c.997+5G>A (NM_001406774.1); c.497-629G>A (NM_001406786.1, NM_001406783.1); c.1234+5G>A (NM_001406770.1, NM_001406766.1, NM_001406767.1); c.796+5G>A (NM_001406778.1, NM_001406775.1, NM_001406776.1 and 1 more transcripts); c.338-629G>A (NM_001406790.1, NM_001406788.1, NM_001406789.1 and 1 more transcripts); c.532+5G>A (NM_001406784.1); and 5 more.
Identifiers: ClinVar variation 3641950 (VCV003641950.2).